The following is an entry in ClinVar:

NM_015271.5(TRIM2):c.117G>C (p.Val39=)

Gene: TRIM2 (tripartite motif containing 2; plus strand). Cytogenetic location: 4q31.3.
Variant type: single nucleotide variant.
Coding change: c.117G>C on transcript NM_015271.5 (MANE Select); coding-DNA position 117, G replaced by C.
Protein change: p.Val39=; no amino-acid change (valine 39 retained).
Molecular consequence: synonymous variant. On other transcripts: 5 prime UTR variant (3), intron variant (1).
Genome position (GRCh38, 1-based): chr4:153,270,421, G>C. VCF-style: chr4-153270421-G-C. GRCh37 (hg19) VCF-style: chr4-154191573-G-C.
Other names: c.36G>C, p.Val12= (NM_001130067.2, NM_001351056.2, NM_001375512.1 and 5 more transcripts); c.117G>C, p.Val39= (NM_001302692.2, NM_001375488.1, NM_001375490.1 and 1 more transcripts); c.114G>C, p.Val38= (NM_001302693.2, NM_001375489.1, NM_001375491.1 and 1 more transcripts); c.90G>C, p.Val30= (NM_001302694.2, NM_001351054.2); c.87G>C, p.Val29= (NM_001351055.2); c.-441G>C (NM_001351057.2); c.-173G>C (NM_001375522.1, NM_001375523.1); c.-124-5472G>C (NM_001375525.1); and 1 more.
Identifiers: ClinVar variation 2179388 (VCV002179388.6), dbSNP rs1320145259, ClinGen allele CA441780642.

ClinVar aggregate classification (germline): Likely benign. Review status: criteria provided, single submitter (1 of 4 stars). 2 submissions from 2 submitters: Likely benign (1). 1 of the submissions does not count toward it. Last evaluated 2023-06-22.

Conditions:
TRIM2-related disorder. Also called: TRIM2-related condition.
Charcot-Marie-Tooth disease type 2R. Also called: CHARCOT-MARIE-TOOTH DISEASE, AXONAL, AUTOSOMAL RECESSIVE, TYPE 2R; Charcot-Marie-Tooth disease, axonal, type 2R; CHARCOT-MARIE-TOOTH NEUROPATHY, TYPE 2R. Identifiers: Orphanet 397968, MedGen C3809655, MONDO:0014208, OMIM 615490.

Allele frequency attached by ClinVar (database versions not stated): TOPMed 0.00009; gnomAD 0.00014.
gnomAD v4.1: 36 of 1,613,906 alleles (0.0022%); highest among the groups gnomAD compares: Admixed American, 0.05%; no homozygotes.

Submissions (2):

Labcorp Genetics (formerly Invitae), Labcorp
Classification: Likely benign for Charcot-Marie-Tooth disease type 2R. Last evaluated: 2023-06-22. Review status: criteria provided, single submitter. Criteria: Invitae Variant Classification Sherloc (09022015). Collection method: clinical testing. Allele origin: germline.

PreventionGenetics, part of Exact Sciences
Classification: Likely benign for TRIM2-related condition. Last evaluated: 2021-04-02. Review status: no assertion criteria provided. Collection method: clinical testing. Allele origin: germline. Not counted in ClinVar's aggregate classification.
Comment: This variant is classified as likely benign based on ACMG/AMP sequence variant interpretation guidelines (Richards et al. 2015 PMID: 25741868, with internal and published modifications).